The following is an entry in ClinVar:

NM_004360.5(CDH1):c.225C>G (p.Phe75Leu)

Gene: CDH1 (cadherin 1; plus strand). Cytogenetic location: 16q22.1.
Variant type: single nucleotide variant.
Coding change: c.225C>G on transcript NM_004360.5 (MANE Select); coding-DNA position 225, C replaced by G.
Protein change: p.Phe75Leu; replaces phenylalanine 75 with leucine.
Molecular consequence: missense variant. On other transcripts: 5 prime UTR variant (2).
Genome position (GRCh38, 1-based): chr16:68,801,731, C>G. VCF-style: chr16-68801731-C-G. GRCh37 (hg19) VCF-style: chr16-68835634-C-G.
Other names: c.225C>G, p.Phe75Leu (NM_001317184.2); c.-1391C>G (NM_001317185.2); c.-1595C>G (NM_001317186.2); c.225C>G (NM_004360.4, LRG_301t1); short protein forms F75L.
Identifiers: ClinVar variation 406646 (VCV000406646.20), dbSNP rs767019668, ClinGen allele CA8129814.

ClinVar aggregate classification (germline): Uncertain significance. Review status: reviewed by expert panel (3 of 4 stars). 5 submissions from 5 submitters: Uncertain significance (1). 4 of the submissions do not count toward it. Last evaluated 2023-08-21.

Conditions:
CDH1-related diffuse gastric and lobular breast cancer syndrome. Also called: CDH1-related diffuse gastric and lobular breast cancer. Identifiers: MedGen CN311521, MONDO:0100488.
Hereditary cancer-predisposing syndrome. Also called: Neoplastic Syndromes, Hereditary; Tumor predisposition; Hereditary neoplastic syndrome; Hereditary Cancer Syndrome. Identifiers: Orphanet 140162, MedGen C0027672, MeSH D009386, MONDO:0015356.
Hereditary diffuse gastric adenocarcinoma (HDGC). Also called: DIFFUSE GASTRIC AND LOBULAR BREAST CANCER SYNDROME. Identifiers: Orphanet 26106, MedGen C1708349, MONDO:0007648, OMIM 137215.
Familial cancer of breast. Also called: BREAST CANCER, FAMILIAL; hereditary breast carcinoma; Hereditary breast cancer. Identifiers: Orphanet 227535, MedGen C0346153, MONDO:0016419, OMIM 114480. Disease mechanism: loss of function.

Allele frequency attached by ClinVar (database versions not stated): gnomAD 0.00001; TOPMed 0.00001; gnomAD exomes below 0.00001.
gnomAD v4.1: 3 of 1,614,048 alleles (0.00019%); highest among the groups gnomAD compares: African/African-American, 0.004%; no homozygotes.

Submissions (5):

Clingen Gastric Cancer Variant Curation Expert Panel
Classification: Uncertain significance for CDH1-related diffuse gastric and lobular breast cancer syndrome. Last evaluated: 2023-08-21. Review status: reviewed by expert panel. Criteria: ClinGen CDH1 ACMG Specifications V3.1. Collection method: curation. Allele origin: germline. Inheritance: Autosomal dominant inheritance.
Comment: The c.225C>G p.(Phe75Leu)variant is present in <1/100,000 alleles in the gnomAD cohort (PM2_Supporting). No additional evidence met criteria for consideration. In summary, the clinical significance of this variant is uncertain. ACMG/AMP criteria applied, as specified by the CDH1 Variant Curation Expert Panel (Variant Interpretation Guidelines Version 3.1): PM2_Supporting.

Ambry Genetics
Classification: Uncertain significance for Hereditary cancer-predisposing syndrome. Last evaluated: 2026-03-06. Review status: criteria provided, single submitter. Criteria: Ambry Variant Classification Scheme 2023. Collection method: clinical testing. Allele origin: germline. Not counted in ClinVar's aggregate classification.
Comment: The p.F75L variant (also known as c.225C>G), located in coding exon 3 of the CDH1 gene, results from a C to G substitution at nucleotide position 225. The phenylalanine at codon 75 is replaced by leucine, an amino acid with highly similar properties. This amino acid position is well conserved in available vertebrate species. In addition, the in silico prediction for this alteration is inconclusive. Based on the available evidence, the clinical significance of this variant remains unclear.

Labcorp Genetics (formerly Invitae), Labcorp
Classification: Uncertain significance for Hereditary diffuse gastric adenocarcinoma. Last evaluated: 2025-03-29. Review status: criteria provided, single submitter. Criteria: Invitae Variant Classification Sherloc (09022015). Collection method: clinical testing. Allele origin: germline. Not counted in ClinVar's aggregate classification.
Comment: This sequence change replaces phenylalanine, which is neutral and non-polar, with leucine, which is neutral and non-polar, at codon 75 of the CDH1 protein (p.Phe75Leu). This variant is present in population databases (rs767019668, gnomAD 0.006%). This missense change has been observed in individual(s) with breast cancer (PMID: 31871109). ClinVar contains an entry for this variant (Variation ID: 406646). An algorithm developed to predict the effect of missense changes on protein structure and function (PolyPhen-2) suggests that this variant is likely to be tolerated. In summary, the available evidence is currently insufficient to determine the role of this variant in disease. Therefore, it has been classified as a Variant of Uncertain Significance.

Baylor Genetics
Classification: Uncertain significance for Familial cancer of breast. Last evaluated: 2023-12-20. Review status: criteria provided, single submitter. Criteria: ACMG Guidelines, 2015. Collection method: clinical testing. Allele origin: unknown. Not counted in ClinVar's aggregate classification.

Quest Diagnostics Nichols Institute San Juan Capistrano
Classification: Uncertain significance. Last evaluated: 2023-06-24. Review status: criteria provided, single submitter. Criteria: Quest Diagnostics criteria. Collection method: clinical testing. Allele origin: unknown. Not counted in ClinVar's aggregate classification.
Comment: In the published literature, this variant has been reported in an individual with breast cancer (PMID: 31871109 (2019)). The frequency of this variant in the general population, 0.000004 (1/251414 chromosomes (Genome Aggregation Database)), is uninformative in the assessment of its pathogenicity. Analysis of this variant using bioinformatics tools for the prediction of the effect of amino acid changes on protein structure and function yielded predictions that this variant is benign. Based on the available information, we are unable to determine the clinical significance of this variant.

Literature cited by the submitters: PubMed 31871109 (cited by 3 submitters).